The following is an entry in ClinVar:

ClinVar aggregate classification (germline): Conflicting classifications of pathogenicity. Review status: criteria provided, conflicting classifications (1 of 4 stars). 10 submissions from 10 submitters: Uncertain significance (4); Benign (1); Likely benign (3). 2 of the submissions do not count toward it. Last evaluated 2026-02-04.

Conditions:
Cardiovascular phenotype. Identifiers: MedGen CN230736.
Ehlers-Danlos syndrome (EDS). Identifiers: Orphanet 98249, MedGen C0013720, MONDO:0020066.
TNXB-related disorder. Also called: TNXB-related condition.
Ehlers-Danlos syndrome due to tenascin-X deficiency (EDSCLL1). Also called: TNX DEFICIENCY; EHLERS-DANLOS SYNDROME, CLASSIC-LIKE; EDS DUE TO TNX DEFICIENCY; Ehlers-Danlos syndrome, classic-like, 1; TNXB-Related Classical-Like Ehlers-Danlos Syndrome. Identifiers: Orphanet 230839, MedGen C1848029, MONDO:0011670, OMIM 606408.

Allele frequency attached by ClinVar (database versions not stated): 1000 Genomes Project 30x 0.00031; 1000 Genomes Project 0.00040; gnomAD 0.00061; ExAC 0.00070; gnomAD exomes 0.00083; TOPMed 0.00091.
gnomAD v4.1: 1,130 of 1,608,792 alleles (0.07%); highest among the groups gnomAD compares: Admixed American, 0.1%; no homozygotes.

Submissions (10):

Labcorp Genetics (formerly Invitae), Labcorp
Classification: Benign. Last evaluated: 2026-02-04. Review status: criteria provided, single submitter. Criteria: Invitae Variant Classification Sherloc (09022015). Collection method: clinical testing. Allele origin: germline.

Women's Health and Genetics/Laboratory Corporation of America, LabCorp
Classification: Likely benign. Last evaluated: 2025-10-07. Review status: criteria provided, single submitter. Criteria: LabCorp Variant Classification Summary - May 2015. Collection method: clinical testing. Allele origin: germline.
Comment: Variant summary: TNXB c.3322G>A (p.Val1108Met; also described as Val1195Met in the literature) results in a conservative amino acid change in the encoded protein sequence. Algorithms developed to predict the effect of missense changes on protein structure and function are either unavailable or do not agree on the potential impact of this missense change. The variant allele was found at a frequency of 0.00083 in 244180 control chromosomes, predominantly at a frequency of 0.0096 within the Ashkenazi Jewish subpopulation in the gnomAD database, including 1 homozygote. The observed variant frequency within Ashkenazi Jewish control individuals in the gnomAD database exceeds the estimated maximal expected allele frequency for disease-causing variants in TNXB. c.3322G>A has been observed in at least one heterozygous individual affected with hypermobility-type Ehlers-Danlos syndrome (example: Zweers_2005), without strong evidence of causality. This report does not provide unequivocal conclusions about association of the variant with Ehlers-Danlos syndrome due to tenascin-X deficiency. To our knowledge, no experimental evidence demonstrating an impact on protein function has been reported. ClinVar contains an entry for this variant (Variation ID: 8552). Based on the evidence outlined above, the variant was classified as likely benign.

Mayo Clinic Laboratories, Mayo Clinic
Classification: Uncertain significance. Last evaluated: 2025-06-13. Review status: criteria provided, single submitter. Criteria: ACMG Guidelines, 2015. Collection method: clinical testing. Allele origin: germline. Observed: 4 variant alleles.
Comment: BS1

Ambry Genetics
Classification: Likely benign for Cardiovascular phenotype. Last evaluated: 2022-10-24. Review status: criteria provided, single submitter. Criteria: Ambry Variant Classification Scheme 2023. Collection method: clinical testing. Allele origin: germline.

Molecular Genetics, Royal Melbourne Hospital
Classification: Uncertain significance for Ehlers-Danlos syndrome due to tenascin-X deficiency. Last evaluated: 2022-04-22. Review status: criteria provided, single submitter. Criteria: ACMG Guidelines, 2015. Collection method: clinical testing. Allele origin: germline. Affected: yes.
Comment: This sequence change is predicted to replace valine with methionine at codon 1108 of the TNXB protein, p.(Val1108Met), also known as p.(Val1195Met). The valine residue is lowly conserved with methionine present in at least two vertebrates (100 vertebrates, UCSC), and is located in the fibronectin type-III 2 domain. There is a small physicochemical difference between valine and methionine. The variant is present in a large population cohort at a frequency of 0.08% (rs121912575, 221/275,544 alleles, 1 homozygote in gnomAD v2.1), with an allele frequency of 1% in the Ashkenazi Jewish population (98/10,232 alleles, 1 homozygote). The variant has been identified heterozygous (with no other TNXB variant detected) in a single hypermobility-type Ehlers-Danlos syndrome case with normal TNX serum levels and a significant increase in elastic fibre length in a skin biopsy (PMID: 15733269). It has also been identified in centenarians (PMID: 25333069). In molecular polypeptide analyses the variant does not alter three dimensional structure and demonstrates mild destabilization effects on the thermodynamic and mechanical stability (PMID: 20853426). The variant has previously been reported as a variant of uncertain significance (LOVD). Multiple lines of computational evidence have conflicting predictions for the missense substitution (3/6 algorithms predict deleterious). Based on the classification scheme RMH Modified ACMG Guidelines v1.3.0, this variant is classified as a VARIANT OF UNCERTAIN SIGNIFICANCE. No criteria are met.

Laboratorio de Genetica e Diagnostico Molecular, Hospital Israelita Albert Einstein
Classification: Uncertain significance. Last evaluated: 2021-11-04. Review status: criteria provided, single submitter. Criteria: ACMG Guidelines, 2015. Collection method: clinical testing. Allele origin: germline. Affected: yes.
Comment: ACMG classification criteria: PS4

GeneDx
Classification: Likely benign. Last evaluated: 2021-09-01. Review status: criteria provided, single submitter. Criteria: GeneDx Variant Classification Process June 2021. Collection method: clinical testing. Allele origin: germline. Affected: yes.
Comment: This variant is associated with the following publications: (PMID: 15733269, 25333069, 20853426, 27989960)

Genome Diagnostics Laboratory, The Hospital for Sick Children
Classification: Uncertain significance for Ehlers-Danlos syndrome. Last evaluated: 2021-07-16. Review status: criteria provided, single submitter. Criteria: ACMG Guidelines, 2015. Collection method: clinical testing. Allele origin: germline.

PreventionGenetics, part of Exact Sciences
Classification: Likely benign for TNXB-related condition. Last evaluated: 2023-07-07. Review status: no assertion criteria provided. Collection method: clinical testing. Allele origin: germline. Not counted in ClinVar's aggregate classification.
Comment: This variant is classified as likely benign based on ACMG/AMP sequence variant interpretation guidelines (Richards et al. 2015 PMID: 25741868, with internal and published modifications).

OMIM
Classification: Pathogenic for EHLERS-DANLOS SYNDROME, CLASSIC-LIKE, 1. Last evaluated: 2005-04-01. Review status: no assertion criteria provided. Collection method: literature only. Allele origin: germline. Not counted in ClinVar's aggregate classification.

Literature cited by the submitters: PubMed 15733269 (cited by 5 submitters); PubMed 20853426 (cited by 3 submitters); PubMed 25333069 (cited by Ambry Genetics and Molecular Genetics, Royal Melbourne Hospital).

NM_001365276.2(TNXB):c.3322G>A (p.Val1108Met)

Gene: TNXB (tenascin XB; minus strand). Cytogenetic location: 6p21.33.
Variant type: single nucleotide variant.
Coding change: c.3322G>A on transcript NM_001365276.2 (MANE Select); coding-DNA position 3322, G replaced by A.
Protein change: p.Val1108Met; replaces valine 1108 with methionine.
Molecular consequence: missense variant.
Genome position (GRCh38, 1-based): chr6:32,084,536, C>T on the plus strand (G>A on the coding strand, the complement: TNXB is on the minus strand). VCF-style: chr6-32084536-C-T. GRCh37 (hg19) VCF-style: chr6-32052313-C-T.
Other names: V1195M; p.Val1108Met; c.3322G>A, p.Val1108Met (NM_019105.8); short protein forms V1108M.
Identifiers: ClinVar variation 8552 (VCV000008552.21), dbSNP rs121912575, ClinGen allele CA119728.